The following is an entry in ClinVar:

ClinVar aggregate classification (germline): Uncertain significance. Review status: criteria provided, multiple submitters, no conflicts (2 of 4 stars). 2 submissions from 2 submitters: Uncertain significance (2). Last evaluated 2026-04-12.

Conditions:
Primary ciliary dyskinesia. Also called: Ciliary dyskinesia. Identifiers: Orphanet 244, MedGen C0008780, MONDO:0016575, HP:0012265.

Allele frequency attached by ClinVar (database versions not stated): gnomAD exomes below 0.00001; TOPMed 0.00001.
gnomAD v4.1: 1 of 1,614,204 alleles (0.000062%); highest among the groups gnomAD compares: Non-Finnish European, 0.000085%; no homozygotes.

Submissions (2):

Ambry Genetics
Classification: Uncertain significance for Primary ciliary dyskinesia. Last evaluated: 2026-04-12. Review status: criteria provided, single submitter. Criteria: Ambry Variant Classification Scheme 2023. Collection method: clinical testing. Allele origin: germline.
Comment: The p.A150V variant (also known as c.449C>T), located in coding exon 3 of the RSPH9 gene, results from a C to T substitution at nucleotide position 449. The alanine at codon 150 is replaced by valine, an amino acid with similar properties. This amino acid position is conserved. In addition, this alteration is predicted to be tolerated by in silico analysis. Based on the available evidence, the clinical significance of this variant remains unclear.

Labcorp Genetics (formerly Invitae), Labcorp
Classification: Uncertain significance for Primary ciliary dyskinesia. Last evaluated: 2022-07-20. Review status: criteria provided, single submitter. Criteria: Invitae Variant Classification Sherloc (09022015). Collection method: clinical testing. Allele origin: germline.
Comment: This sequence change replaces alanine, which is neutral and non-polar, with valine, which is neutral and non-polar, at codon 150 of the RSPH9 protein (p.Ala150Val). In summary, the available evidence is currently insufficient to determine the role of this variant in disease. Therefore, it has been classified as a Variant of Uncertain Significance. Algorithms developed to predict the effect of missense changes on protein structure and function are either unavailable or do not agree on the potential impact of this missense change (SIFT: "Tolerated"; PolyPhen-2: "Possibly Damaging"; Align-GVGD: "Class C0"). This variant has not been reported in the literature in individuals affected with RSPH9-related conditions. This variant is not present in population databases (gnomAD no frequency).

NM_152732.5(RSPH9):c.449C>T (p.Ala150Val)

Gene: RSPH9 (radial spoke head component 9; plus strand). Cytogenetic location: 6p21.1.
Variant type: single nucleotide variant.
Coding change: c.449C>T on transcript NM_152732.5 (MANE Select); coding-DNA position 449, C replaced by T.
Protein change: p.Ala150Val; replaces alanine 150 with valine.
Molecular consequence: missense variant. On other transcripts: non-coding transcript variant (2).
Genome position (GRCh38, 1-based): chr6:43,655,617, C>T. VCF-style: chr6-43655617-C-T. GRCh37 (hg19) VCF-style: chr6-43623354-C-T.
Other names: c.404C>T, p.Ala135Val (NM_001193341.2, NM_001424120.1); c.449C>T, p.Ala150Val (NM_001424119.1, NM_001424121.1); c.449C>T (NM_152732.4); short protein forms A135V, A150V.
Identifiers: ClinVar variation 1950924 (VCV001950924.6), dbSNP rs1256083922, ClinGen allele CA364289201.